The following is an entry in ClinVar:

NM_177438.3(DICER1):c.674A>T (p.Lys225Ile)

Gene: DICER1 (dicer 1, ribonuclease III; minus strand). Cytogenetic location: 14q32.13.
Variant type: single nucleotide variant.
Coding change: c.674A>T on transcript NM_177438.3 (MANE Select); coding-DNA position 674, A replaced by T.
Protein change: p.Lys225Ile; replaces lysine 225 with isoleucine.
Molecular consequence: missense variant.
Genome position (GRCh38, 1-based): chr14:95,129,532, T>A on the plus strand (A>T on the coding strand, the complement: DICER1 is on the minus strand). VCF-style: chr14-95129532-T-A. GRCh37 (hg19) VCF-style: chr14-95595869-T-A.
Other names: c.674A>T, p.Lys225Ile (NM_001195573.1, NM_001271282.3, NM_001291628.2 and 1 more transcripts); short protein forms K225I.
Identifiers: ClinVar variation 662016 (VCV000662016.10), dbSNP rs1445983492, ClinGen allele CA390888087.
Genomic context (GRCh38, chr14:95,129,532, plus strand): 5'-CTGTCTAAGACCACCAGGTCAGTTGCAGTTTCAGCATTACTCTTAAGAATTTTCTCTAGT[T>A]TCTGAATCTTTTCTTCCAATTCCTCTGGATCACATTTCCCATTTAAAATGGAAGCAGTTA-3'
Protein context (NP_803187.1, residues 215-235): DPEELEEKIQ[Lys225Ile]LEKILKSNAE

ClinVar aggregate classification (germline): Uncertain significance. Review status: criteria provided, multiple submitters, no conflicts (2 of 4 stars). 2 submissions from 2 submitters: Uncertain significance (2). Last evaluated 2024-03-26.

Conditions:
Hereditary cancer-predisposing syndrome. Also called: Neoplastic Syndromes, Hereditary; Hereditary neoplastic syndrome; Tumor predisposition; Hereditary Cancer Syndrome. Identifiers: Orphanet 140162, MedGen C0027672, MeSH D009386, MONDO:0015356.
DICER1-related tumor predisposition. Also called: DICER1 syndrome; DICER1-related pleuropulmonary blastoma cancer predisposition syndrome. Identifiers: Orphanet 284343, MedGen C3839822, MONDO:0100216.

Submissions (2):

Labcorp Genetics (formerly Invitae), Labcorp
Classification: Uncertain significance for DICER1-related tumor predisposition. Last evaluated: 2024-03-26. Review status: criteria provided, single submitter. Criteria: Invitae Variant Classification Sherloc (09022015). Collection method: clinical testing. Allele origin: germline.
Comment: This sequence change replaces lysine, which is basic and polar, with isoleucine, which is neutral and non-polar, at codon 225 of the DICER1 protein (p.Lys225Ile). This variant is not present in population databases (gnomAD no frequency). This variant has not been reported in the literature in individuals affected with DICER1-related conditions. ClinVar contains an entry for this variant (Variation ID: 662016). Advanced modeling of protein sequence and biophysical properties (such as structural, functional, and spatial information, amino acid conservation, physicochemical variation, residue mobility, and thermodynamic stability) performed at Invitae indicates that this missense variant is not expected to disrupt DICER1 protein function with a negative predictive value of 80%. In summary, the available evidence is currently insufficient to determine the role of this variant in disease. Therefore, it has been classified as a Variant of Uncertain Significance.

Ambry Genetics
Classification: Uncertain significance for Hereditary cancer-predisposing syndrome. Last evaluated: 2021-09-09. Review status: criteria provided, single submitter. Criteria: Ambry Variant Classification Scheme 2023. Collection method: clinical testing. Allele origin: germline.
Comment: The p.K225I variant (also known as c.674A>T), located in coding exon 5 of the DICER1 gene, results from an A to T substitution at nucleotide position 674. The lysine at codon 225 is replaced by isoleucine, an amino acid with dissimilar properties. This amino acid position is well conserved in available vertebrate species. In addition, this alteration is predicted to be tolerated by in silico analysis. Since supporting evidence is limited at this time, the clinical significance of this alteration remains unclear.